The following is an entry in ClinVar:

NM_002734.5(PRKAR1A):c.1078G>A (p.Gly360Ser)

Gene: PRKAR1A (protein kinase cAMP-dependent type I regulatory subunit alpha; plus strand). Cytogenetic location: 17q24.2.
Variant type: single nucleotide variant.
Coding change: c.1078G>A on transcript NM_002734.5 (MANE Select); coding-DNA position 1078, G replaced by A.
Protein change: p.Gly360Ser; replaces glycine 360 with serine.
Molecular consequence: missense variant. On other transcripts: intron variant (1).
Genome position (GRCh38, 1-based): chr17:68,530,381, G>A. VCF-style: chr17-68530381-G-A. GRCh37 (hg19) VCF-style: chr17-66526522-G-A.
Other names: c.1078G>A, p.Gly360Ser (NM_001276289.2, NM_001278433.2, NM_001369389.1 and 3 more transcripts); c.973+380G>A (NM_001276290.1); short protein forms G360S.
Identifiers: ClinVar variation 5027307 (VCV005027307.1).

ClinVar aggregate classification (germline): Uncertain significance (1 of 4 stars; one submission).

Conditions:
Hereditary cancer-predisposing syndrome. Also called: Neoplastic Syndromes, Hereditary; Tumor predisposition; Hereditary neoplastic syndrome; Hereditary Cancer Syndrome. Identifiers: Orphanet 140162, MedGen C0027672, MeSH D009386, MONDO:0015356.

Submission:

Ambry Genetics
Classification: Uncertain significance for Hereditary cancer-predisposing syndrome. Last evaluated: 2026-07-06. Review status: criteria provided, single submitter. Criteria: Ambry Variant Classification Scheme 2023. Collection method: clinical testing. Allele origin: germline.
Comment: The p.G360S variant (also known as c.1078G>A), located in coding exon 10 of the PRKAR1A gene, results from a G to A substitution at nucleotide position 1078. The glycine at codon 360 is replaced by serine, an amino acid with similar properties. This amino acid position is conserved. In addition, this alteration is predicted to be deleterious by in silico analysis. Based on the available evidence, the clinical significance of this variant remains unclear.